The following is an entry in ClinVar:

ClinVar aggregate classification (germline): Uncertain significance (1 of 4 stars; one submission).

Submission:

Labcorp Genetics (formerly Invitae), Labcorp
Classification: Uncertain significance. Last evaluated: 2021-06-05. Review status: criteria provided, single submitter. Criteria: Invitae Variant Classification Sherloc (09022015). Collection method: clinical testing. Allele origin: germline.
Comment: This sequence change replaces valine with leucine at codon 78 of the CACNA1E protein (p.Val78Leu). The valine residue is weakly conserved and there is a small physicochemical difference between valine and leucine. This variant is not present in population databases (ExAC no frequency). This variant has not been reported in the literature in individuals with CACNA1E-related conditions. Advanced modeling of protein sequence and biophysical properties (such as structural, functional, and spatial information, amino acid conservation, physicochemical variation, residue mobility, and thermodynamic stability) performed at Invitae indicates that this missense variant is not expected to disrupt CACNA1E protein function. In summary, the available evidence is currently insufficient to determine the role of this variant in disease. Therefore, it has been classified as a Variant of Uncertain Significance.

NM_001205293.3(CACNA1E):c.232G>C (p.Val78Leu)

Gene: CACNA1E (calcium voltage-gated channel subunit alpha1 E; plus strand). Cytogenetic location: 1q25.3.
Variant type: single nucleotide variant.
Coding change: c.232G>C on transcript NM_001205293.3 (MANE Select); coding-DNA position 232, G replaced by C.
Protein change: p.Val78Leu; replaces valine 78 with leucine.
Molecular consequence: missense variant.
Genome position (GRCh38, 1-based): chr1:181,483,976, G>C. VCF-style: chr1-181483976-G-C. GRCh37 (hg19) VCF-style: chr1-181453112-G-C.
Other names: c.232G>C, p.Val78Leu (NM_000721.4, NM_001205294.2); short protein forms V78L.
Identifiers: ClinVar variation 1496612 (VCV001496612.6), dbSNP rs2102469602, ClinGen allele CA343844624.
Genomic context (GRCh38, chr1:181,483,976, plus strand): 5'-GTCCGGCAGAACTGTTTCACCGTCAACAGATCCCTGTTCATCTTCGGAGAAGATAACATT[G>C]TCAGGAAATATGCCAAGAAGCTCATCGATTGGCCATATCCTTTCTTGCCCACCATAACTC-3'
Protein context (NP_001192222.1, residues 68-88): SLFIFGEDNI[Val78Leu]RKYAKKLIDW